The following is an entry in ClinVar:

ClinVar aggregate classification (germline): Conflicting classifications of pathogenicity. Review status: criteria provided, conflicting classifications (1 of 4 stars). 5 submissions from 5 submitters: Uncertain significance (1); Benign (1); Likely benign (3). Last evaluated 2026-01-24.

Conditions:
Congenital muscular dystrophy due to partial LAMA2 deficiency. Identifiers: MedGen C1842898.
LAMA2-related muscular dystrophy (LAMA2-RD). Also called: Laminin alpha 2-related dystrophy. Identifiers: MedGen C5679788, MONDO:0100228.

Allele frequency attached by ClinVar (database versions not stated): gnomAD 0.00027 and 0.00020; TOPMed 0.00037; ExAC 0.00063; gnomAD exomes 0.00066 and 0.00020; 1000 Genomes Project 30x 0.00094; 1000 Genomes Project 0.00100; ESP Exome Variant Server 0.00008.
gnomAD v4.1: 328 of 1,610,584 alleles (0.02%); highest among the groups gnomAD compares: East Asian, 0.53%; 1 homozygote.

Submissions (5):

Labcorp Genetics (formerly Invitae), Labcorp
Classification: Benign for LAMA2-related muscular dystrophy. Last evaluated: 2026-01-24. Review status: criteria provided, single submitter. Criteria: Invitae Variant Classification Sherloc (09022015). Collection method: clinical testing. Allele origin: germline.

Blueprint Genetics
Classification: Likely benign. Last evaluated: 2024-08-21. Review status: criteria provided, single submitter. Criteria: ACMG Guidelines, 2015. Collection method: clinical testing. Allele origin: germline.

Illumina Laboratory Services, Illumina
Classification: Likely benign for Congenital muscular dystrophy due to partial LAMA2 deficiency. Last evaluated: 2018-01-13. Review status: criteria provided, single submitter. Criteria: ICSL Variant Classification Criteria 13 December 2019. Collection method: clinical testing. Allele origin: germline.
Comment: This variant was observed in the ICSL laboratory as part of a predisposition screen in an ostensibly healthy population. It had not been previously curated by ICSL or reported in the Human Gene Mutation Database (HGMD: prior to June 1st, 2018), and was therefore a candidate for classification through an automated scoring system. Utilizing variant allele frequency, disease prevalence and penetrance estimates, and inheritance mode, an automated score was calculated to assess if this variant is too frequent to cause the disease. Based on the score and internal cut-off values, a variant classified as likely benign is not then subjected to further curation. The score for this variant resulted in a classification of likely benign for this disease.

GeneDx
Classification: Likely benign. Last evaluated: 2017-03-29. Review status: criteria provided, single submitter. Criteria: GeneDx Variant Classification (06012015). Collection method: clinical testing. Allele origin: germline. Affected: yes.
Comment: This variant is considered likely benign or benign based on one or more of the following criteria: it is a conservative change, it occurs at a poorly conserved position in the protein, it is predicted to be benign by multiple in silico algorithms, and/or has population frequency not consistent with disease.

Eurofins Ntd Llc (ga)
Classification: Uncertain significance. Last evaluated: 2013-12-18. Review status: criteria provided, single submitter. Criteria: EGL Classification Definitions 2015. Collection method: clinical testing. Allele origin: germline. Observed: 1 variant allele, 1 heterozygote.

NM_000426.4(LAMA2):c.2304C>T (p.Asp768=)

Gene: LAMA2 (laminin subunit alpha 2; plus strand). Cytogenetic location: 6q22.33.
Variant type: single nucleotide variant.
Coding change: c.2304C>T on transcript NM_000426.4 (MANE Select); coding-DNA position 2304, C replaced by T.
Protein change: p.Asp768=; no amino-acid change (aspartic acid 768 retained).
Molecular consequence: synonymous variant.
Genome position (GRCh38, 1-based): chr6:129,267,201, C>T. VCF-style: chr6-129267201-C-T. GRCh37 (hg19) VCF-style: chr6-129588346-C-T.
Other names: c.2304C>T, p.Asp768= (NM_001079823.2).
Identifiers: ClinVar variation 167240 (VCV000167240.23), dbSNP rs142126511, ClinGen allele CA234198.